The following is an entry in ClinVar:

ClinVar aggregate classification (germline): Benign/Likely benign. Review status: criteria provided, multiple submitters, no conflicts (2 of 4 stars). 3 submissions from 3 submitters: Benign (1); Likely benign (1). 1 of the submissions does not count toward it. Last evaluated 2024-11-16.

Conditions:
CRYGC-related disorder. Also called: CRYGC-related condition.
Nuclear pulverulent cataract (CTRCT2). Identifiers: MedGen C1852438, HP:0010698.

Allele frequency attached by ClinVar (database versions not stated): gnomAD exomes 0.00015 and 0.00037; 1000 Genomes Project 30x 0.00031; 1000 Genomes Project 0.00040; ExAC 0.00041; gnomAD 0.00127 and 0.00136; TOPMed 0.00141; ESP Exome Variant Server 0.00146.
gnomAD v4.1: 443 of 1,614,256 alleles (0.027%); highest among the groups gnomAD compares: African/African-American, 0.47%; 2 homozygotes.

Submissions (3):

Labcorp Genetics (formerly Invitae), Labcorp
Classification: Benign for Nuclear pulverulent cataract. Last evaluated: 2024-11-16. Review status: criteria provided, single submitter. Criteria: Invitae Variant Classification Sherloc (09022015). Collection method: clinical testing. Allele origin: germline.

Blueprint Genetics
Classification: Likely benign. Last evaluated: 2024-09-02. Review status: criteria provided, single submitter. Criteria: ACMG Guidelines, 2015. Collection method: clinical testing. Allele origin: germline.

PreventionGenetics, part of Exact Sciences
Classification: Benign for CRYGC-related condition. Last evaluated: 2019-12-09. Review status: no assertion criteria provided. Collection method: clinical testing. Allele origin: germline. Not counted in ClinVar's aggregate classification.
Comment: This variant is classified as benign based on ACMG/AMP sequence variant interpretation guidelines (Richards et al. 2015 PMID: 25741868, with internal and published modifications).

NM_020989.4(CRYGC):c.10-10T>C

Genes: CRYGC (crystallin gamma C; minus strand), LOC100507443 (uncharacterized LOC100507443; plus strand). Cytogenetic location: 2q33.3.
Variant type: single nucleotide variant.
Coding change: c.10-10T>C on transcript NM_020989.4 (MANE Select); 10 bases into the intron before coding-DNA position 10, T replaced by C.
Molecular consequence: intron variant.
Genome position (GRCh38, 1-based): chr2:208,129,693, A>G on the plus strand (T>C on the coding strand, the complement: CRYGC is on the minus strand). VCF-style: chr2-208129693-A-G. GRCh37 (hg19) VCF-style: chr2-208994417-A-G.
Identifiers: ClinVar variation 465760 (VCV000465760.13), dbSNP rs199901300, ClinGen allele CA2077971.